The following is an entry in ClinVar:

ClinVar aggregate classification (germline): Uncertain significance (1 of 4 stars; one submission).

gnomAD v4.1: 1 of 1,613,978 alleles (0.000062%); highest among the groups gnomAD compares: Non-Finnish European, 0.000085%; no homozygotes.

Submission:

Mayo Clinic Laboratories, Mayo Clinic
Classification: Uncertain significance. Last evaluated: 2025-10-19. Review status: criteria provided, single submitter. Criteria: ACMG Guidelines, 2015. Collection method: clinical testing. Allele origin: germline. Observed: 1 variant allele.
Comment: BP4

NM_004990.4(MARS1):c.1316G>C (p.Arg439Pro)

Gene: MARS1 (methionyl-tRNA synthetase 1; plus strand). Cytogenetic location: 12q13.3.
Variant type: single nucleotide variant.
Coding change: c.1316G>C on transcript NM_004990.4 (MANE Select); coding-DNA position 1316, G replaced by C.
Protein change: p.Arg439Pro; replaces arginine 439 with proline.
Molecular consequence: missense variant.
Genome position (GRCh38, 1-based): chr12:57,504,247, G>C. VCF-style: chr12-57504247-G-C. GRCh37 (hg19) VCF-style: chr12-57898030-G-C.
Other names: p.Arg439Pro; short protein forms R439P.
Identifiers: ClinVar variation 4541723 (VCV004541723.1).